The following is an entry in ClinVar:

NM_000321.3(RB1):c.2145_2167del (p.Lys715fs)

Gene: RB1 (RB transcriptional corepressor 1; plus strand). Cytogenetic location: 13q14.2.
Variant type: Deletion.
Coding change: c.2145_2167del on transcript NM_000321.3 (MANE Select); coding-DNA positions 2145 to 2167, 23 bases deleted (GAATATAGACCTTAAATTCAAAA).
Protein change: p.Lys715fs; shifts the reading frame from lysine 715.
Molecular consequence: frameshift variant.
Genome position (GRCh38, 1-based): chr13:48,463,769-48,463,791, GAATATAGACCTTAAATTCAAAA deleted; deleting any 23 consecutive bases within chr13:48,463,767-48,463,791 gives the same sequence; the c. name uses the placement nearest the transcript's 3' end. VCF-style (leftmost placement, unchanged base first): chr13-48463766-GAAGAATATAGACCTTAAATTCAA-G. GRCh37 (hg19) VCF-style: chr13-49037902-GAAGAATATAGACCTTAAATTCAA-G.
Other names: c.2145_2167del, p.Lys715fs (NM_001407165.1); short protein forms K715fs.
Identifiers: ClinVar variation 3664110 (VCV003664110.2).

ClinVar aggregate classification (germline): Pathogenic (1 of 4 stars; one submission).

Conditions:
Retinoblastoma (RB1). Also called: RETINOBLASTOMA, SOMATIC. Identifiers: Orphanet 790, MedGen C0035335, MeSH D012175, MONDO:0008380, OMIM 180200, HP:0009919. Disease mechanism: loss of function. Inheritance: Both sporadic and heritable forms are tested..

Submission:

Labcorp Genetics (formerly Invitae), Labcorp
Classification: Pathogenic for Retinoblastoma. Last evaluated: 2024-09-01. Review status: criteria provided, single submitter. Criteria: Invitae Variant Classification Sherloc (09022015). Collection method: clinical testing. Allele origin: germline.
Comment: This sequence change creates a premature translational stop signal (p.Lys715Asnfs*28) in the RB1 gene. It is expected to result in an absent or disrupted protein product. Loss-of-function variants in RB1 are known to be pathogenic (PMID: 17096365). This variant is not present in population databases (gnomAD no frequency). This variant has not been reported in the literature in individuals affected with RB1-related conditions. For these reasons, this variant has been classified as Pathogenic.

Literature cited by the submitters: PubMed 17096365.